The following is an entry in ClinVar:

NM_000094.4(COL7A1):c.4011G>A (p.Pro1337=)

Gene: COL7A1 (collagen type VII alpha 1 chain; minus strand). Cytogenetic location: 3p21.31.
Variant type: single nucleotide variant.
Coding change: c.4011G>A on transcript NM_000094.4 (MANE Select); coding-DNA position 4011, G replaced by A.
Protein change: p.Pro1337=; no amino-acid change (proline 1337 retained).
Molecular consequence: synonymous variant.
Genome position (GRCh38, 1-based): chr3:48,584,910, C>T on the plus strand (G>A on the coding strand, the complement: COL7A1 is on the minus strand). VCF-style: chr3-48584910-C-T. GRCh37 (hg19) VCF-style: chr3-48622343-C-T.
Identifiers: ClinVar variation 1477502 (VCV001477502.30), dbSNP rs201597369, ClinGen allele CA2380288.

ClinVar aggregate classification (germline): Pathogenic/Likely pathogenic. Review status: criteria provided, multiple submitters, no conflicts (2 of 4 stars). 5 submissions from 5 submitters: Pathogenic (4); Likely pathogenic (1). Last evaluated 2025-11-10.

Conditions:
COL7A1-related disorder. Also called: COL7A1-related condition; COL7A1- related disorders.
Recessive dystrophic epidermolysis bullosa (RDEB). Also called: Recessive DEB (RDEB); Hallopeau-Siemens Disease; EPIDERMOLYSIS BULLOSA DYSTROPHICA, GENERALIZED SEVERE, AUTOSOMAL RECESSIVE; Epidermolysis Bullosa Distrophica Autosomal Recessive (RDEB); epidermolysis bullosa dystrophica, autosomal recessive; DYSTROPHIC EPIDERMOLYSIS BULLOSA, AUTOSOMAL RECESSIVE. Identifiers: Orphanet 79408, Orphanet 79409, MedGen C0079474, MONDO:0009179, OMIM 226600.
Epidermolysis bullosa dystrophica. Also called: Dystrophic epidermolysis bullosa, Hallopeau-Siemens type (formerly); Dystrophic epidermolysis bullosa. Identifiers: Orphanet 303, MedGen C0079294, MONDO:0006543.

Allele frequency attached by ClinVar (database versions not stated): ExAC 0.00001; gnomAD 0.00001; TOPMed 0.00002.
gnomAD v4.1: 25 of 1,613,874 alleles (0.0015%); highest among the groups gnomAD compares: Middle Eastern, 0.016%; no homozygotes.

Submissions (5):

Natera, Inc.
Classification: Pathogenic for Dystrophic epidermolysis bullosa. Last evaluated: 2025-11-10. Review status: criteria provided, single submitter. Criteria: Natera Variant Classification Schema (03/2026). Collection method: clinical testing. Allele origin: germline.
Comment: The c.4011G>A variant in COL7A1 is a synonymous variant that does not alter the encoded amino acid at position 1337 (p.P1337=). This variant is rare in the general population with a frequency below the threshold expected for the associated phenotype(s). This variant has been observed in one or more individuals affected with the associated recessive disease, as either homozygous or compound heterozygous with a second variant (PMID: 35979658). Computational prediction algorithms indicate this variant is likely to affect gene or protein function. Given the available evidence, this variant is classified as Pathogenic.

PreventionGenetics, part of Exact Sciences
Classification: Pathogenic for COL7A1-related condition. Last evaluated: 2025-08-29. Review status: criteria provided, single submitter. Criteria: ACMG Guidelines, 2015. Collection method: clinical testing. Allele origin: germline.
Comment: The COL7A1 c.4011G>A variant is not predicted to result in an amino acid change (p.=). This variant is predicted to impact splicing based on available splicing prediction programs (SpliceAI, Jaganathan et al. 2019. PubMed ID: 30661751). This variant has been reported with a second COL7A1 variant in individuals with recessive dystrophic epidermolysis bullosa (RDEB), non Hallopeau Siemens recessive dystrophic epidermolysis bullosa (NHS-RDEB), and recessive dystrophic epidermolysis bullosa other (RDEB-O) (Appendix I, Varki et al. 2007. PubMed ID: 16971478; Table SII, Almaani et al. 2011. PubMed ID: 21448560; Table S2, Natale et al. 2022. PubMed ID: 35979658). It was also reported in a study of Brazilian individuals with dystrophic epidermolysis bullosa (DEB) (Mariath et al. 2019. PubMed ID: 31001817). This variant is reported in 0.0033% of alleles in individuals of South Asian descent in gnomAD. This variant is interpreted as pathogenic.

Dasa
Classification: Likely pathogenic. Last evaluated: 2024-07-08. Review status: criteria provided, single submitter. Criteria: DASA Assertion Criteria. Collection method: clinical testing. Allele origin: germline.
Comment: NM_000094.4(COL7A1):c.4011G>A (p.Pro1337=) is a synonymous variant predicted not to alter the encoded amino acid sequence. This variant has been observed in affected individuals with COL7A1-related disorders. Functional evidence supports an impact on the gene or gene product. Also, this variant is rare in population databases. Based on the currently available evidence, this variant is classified as likely pathogenic.

Labcorp Genetics (formerly Invitae), Labcorp
Classification: Pathogenic. Last evaluated: 2024-05-24. Review status: criteria provided, single submitter. Criteria: Invitae Variant Classification Sherloc (09022015). Collection method: clinical testing. Allele origin: germline.
Comment: This sequence change affects codon 1337 of the COL7A1 mRNA. It is a 'silent' change, meaning that it does not change the encoded amino acid sequence of the COL7A1 protein. This variant also falls at the last nucleotide of exon 33, which is part of the consensus splice site for this exon. This variant is present in population databases (rs201597369, gnomAD 0.004%). This variant has been observed in individual(s) with autosomal recessive dystrophic epidermolysis bullosa (PMID: 16971478, 19665875, 31001817). ClinVar contains an entry for this variant (Variation ID: 1477502). Variants that disrupt the consensus splice site are a relatively common cause of aberrant splicing (PMID: 17576681, 9536098). Algorithms developed to predict the effect of sequence changes on RNA splicing suggest that this variant may disrupt the consensus splice site. For these reasons, this variant has been classified as Pathogenic.

Center for Research in Genodermatoses and Epidermolysis Bullosa, University of Buenos Aires
Classification: Pathogenic for Recessive dystrophic epidermolysis bullosa. Last evaluated: 2022-03-14. Review status: criteria provided, single submitter. Criteria: ACMG Guidelines, 2015. Collection method: clinical testing. Allele origin: germline. Affected: yes. Observed: 2 variant alleles, 2 compound heterozygotes.

Literature cited by the submitters: PubMed 35979658 (cited by Natera, Inc. and Center for Research in Genodermatoses and Epidermolysis Bullosa, University of Buenos Aires); PubMed 16971478 (cited by Labcorp Genetics (formerly Invitae), Labcorp and Center for Research in Genodermatoses and Epidermolysis Bullosa, University of Buenos Aires); PubMed 19665875 (cited by Labcorp Genetics (formerly Invitae), Labcorp); PubMed 31001817 (cited by Labcorp Genetics (formerly Invitae), Labcorp); PubMed 17576681 (cited by Labcorp Genetics (formerly Invitae), Labcorp); PubMed 9536098 (cited by Labcorp Genetics (formerly Invitae), Labcorp).